The following is an entry in ClinVar:

NM_001384900.1(SEMA3D):c.160C>T (p.Leu54Phe)

Gene: SEMA3D (semaphorin 3D; minus strand). Cytogenetic location: 7q21.11.
Variant type: single nucleotide variant.
Coding change: c.160C>T on transcript NM_001384900.1 (MANE Select); coding-DNA position 160, C replaced by T.
Protein change: p.Leu54Phe; replaces leucine 54 with phenylalanine.
Molecular consequence: missense variant.
Genome position (GRCh38, 1-based): chr7:85,097,957, G>A on the plus strand (C>T on the coding strand, the complement: SEMA3D is on the minus strand). VCF-style: chr7-85097957-G-A. GRCh37 (hg19) VCF-style: chr7-84727273-G-A.
Other names: c.160C>T, p.Leu54Phe (NM_001384901.1, NM_001384902.1, NM_001384903.1 and 1 more transcripts); short protein forms L54F.
Identifiers: ClinVar variation 3031892 (VCV003031892.3), dbSNP rs140630375, ClinGen allele CA4323842.

ClinVar aggregate classification (germline): Uncertain significance. Review status: criteria provided, single submitter (1 of 4 stars). 2 submissions from 2 submitters: Uncertain significance (1). 1 of the submissions does not count toward it. Last evaluated 2025-08-25.

Conditions:
SEMA3D-related disorder. Also called: SEMA3D-related condition.

Allele frequency attached by ClinVar (database versions not stated): ExAC 0.00013; ESP Exome Variant Server 0.00046; 1000 Genomes Project 0.00060; 1000 Genomes Project 30x 0.00078.
gnomAD v4.1: 123 of 1,558,198 alleles (0.0079%); highest among the groups gnomAD compares: African/African-American, 0.16%; no homozygotes.

Submissions (2):

Ambry Genetics
Classification: Uncertain significance. Last evaluated: 2025-08-25. Review status: criteria provided, single submitter. Criteria: Ambry Variant Classification Scheme 2023. Collection method: clinical testing. Allele origin: germline.

PreventionGenetics, part of Exact Sciences
Classification: Likely benign for SEMA3D-related condition. Last evaluated: 2022-05-26. Review status: no assertion criteria provided. Collection method: clinical testing. Allele origin: germline. Not counted in ClinVar's aggregate classification.
Comment: This variant is classified as likely benign based on ACMG/AMP sequence variant interpretation guidelines (Richards et al. 2015 PMID: 25741868, with internal and published modifications).